The following is an entry in ClinVar:

ClinVar aggregate classification (germline): Benign. Review status: criteria provided, multiple submitters, no conflicts (2 of 4 stars). 2 submissions from 2 submitters: Benign (2). Last evaluated 2018-11-10.

Allele frequency attached by ClinVar (database versions not stated): 1000 Genomes Project 30x 0.08729; 1000 Genomes Project 0.08786; gnomAD 0.12335 and 0.12651; TOPMed 0.12580.

Submissions (2):

GeneDx
Classification: Benign. Last evaluated: 2018-11-10. Review status: criteria provided, single submitter. Criteria: GeneDx Variant Classification Process June 2021. Collection method: clinical testing. Allele origin: germline. Affected: yes.
Comment: This variant is associated with the following publications: (PMID: 25242241)

Breakthrough Genomics
Classification: Benign. Review status: criteria provided, single submitter. Criteria: ACMG Guidelines, 2015. Collection method: not provided. Allele origin: germline. Inheritance: Autosomal recessive inheritance. Affected: yes.

NM_139027.6(ADAMTS13):c.2861+55C>T

Gene: ADAMTS13 (ADAM metallopeptidase with thrombospondin type 1 motif 13; plus strand). Cytogenetic location: 9q34.2.
Variant type: single nucleotide variant.
Coding change: c.2861+55C>T on transcript NM_139027.6 (MANE Select); 55 bases into the intron after coding-DNA position 2861, C replaced by T.
Molecular consequence: intron variant.
Genome position (GRCh38, 1-based): chr9:133,448,783, C>T. VCF-style: chr9-133448783-C-T. GRCh37 (hg19) VCF-style: chr9-136313904-C-T.
Other names: c.2861+55C>T (NM_139025.5); c.2768+55C>T (NM_139026.6).
Identifiers: ClinVar variation 1277179 (VCV001277179.2), dbSNP rs2769073, ClinGen allele CA200939193.